The following is an entry in ClinVar:

NM_022787.4(NMNAT1):c.364del (p.Arg122fs)

Gene: NMNAT1 (nicotinamide nucleotide adenylyltransferase 1; plus strand). Cytogenetic location: 1p36.22.
Variant type: Deletion.
Coding change: c.364del on transcript NM_022787.4 (MANE Select); coding-DNA position 364, one base deleted (A; older notation c.364delA).
Protein change: p.Arg122fs; shifts the reading frame from arginine 122.
Molecular consequence: frameshift variant.
Genome position (GRCh38, 1-based): chr1:9,981,095, A deleted; the last of 3 consecutive A bases (chr1:9,981,093-9,981,095); deleting any one gives the same sequence. VCF-style (leftmost placement, unchanged base first): chr1-9981092-GA-G. GRCh37 (hg19) VCF-style: chr1-10041150-GA-G.
Other names: c.364del, p.Arg122fs (NM_001297778.1, NM_001297779.2); short protein forms R122fs.
Identifiers: ClinVar variation 871050 (VCV000871050.50), dbSNP rs1413885352, ClinGen allele CA521464464.

ClinVar aggregate classification (germline): Pathogenic. Review status: criteria provided, multiple submitters, no conflicts (2 of 4 stars). 6 submissions from 6 submitters: Pathogenic (4). 2 of the submissions do not count toward it. Last evaluated 2025-09-19.

Conditions:
NMNAT1-related disorder. Also called: NMNAT1-related condition.
Leber congenital amaurosis 9 (LCA9). Also called: LCA9 Leber Congenital Amaurosis; LCA 9; Amaurosis congenita of Leber, type 9. Identifiers: Orphanet 65, MedGen C1837873, MONDO:0012056, OMIM 608553.
Retinal disorder. Also called: Retinopathy; Retinal disorders; Retinopathies; Retinal Diseases. Identifiers: MedGen C0035309, MONDO:0005283, HP:0000488.

Submissions (6):

Genetics Laboratory, Great Ormond Street Hospital NHS Foundation Trust, North Thames Genomic Laboratory Hub
Classification: Pathogenic for Retinal disorders. Last evaluated: 2025-09-19. Review status: criteria provided, single submitter. Criteria: ACGS Best Practice Guidelines for Variant Classification in Rare Disease 2024 v1.2. Collection method: clinical testing. Allele origin: germline. Affected: yes.
Comment: PM2_moderate, PVS1_very-strong, PM3_moderate

Labcorp Genetics (formerly Invitae), Labcorp
Classification: Pathogenic for Leber congenital amaurosis 9. Last evaluated: 2024-12-03. Review status: criteria provided, single submitter. Criteria: Invitae Variant Classification Sherloc (09022015). Collection method: clinical testing. Allele origin: germline.
Comment: This sequence change creates a premature translational stop signal (p.Arg122Glyfs*20) in the NMNAT1 gene. While this is not anticipated to result in nonsense mediated decay, it is expected to disrupt the last 158 amino acid(s) of the NMNAT1 protein. This variant is present in population databases (no rsID available, gnomAD 0.002%). This premature translational stop signal has been observed in individual(s) with Leber congenital amaurosis (PMID: 22842229, 29178642). In at least one individual the data is consistent with being in trans (on the opposite chromosome) from a pathogenic variant. This variant is also known as c.362delA (p.Glu121Glufs*20). ClinVar contains an entry for this variant (Variation ID: 871050). For these reasons, this variant has been classified as Pathogenic.

Blueprint Genetics
Classification: Pathogenic for NMNAT1-related disorders. Last evaluated: 2021-08-23. Review status: criteria provided, single submitter. Criteria: ACMG Guidelines, 2015. Collection method: clinical testing. Allele origin: germline. Affected: yes. Observed: 2 variant alleles.

CeGaT Center for Human Genetics Tuebingen
Classification: Pathogenic. Last evaluated: 2016-12-01. Review status: criteria provided, single submitter. Criteria: CeGaT Center For Human Genetics Tuebingen Variant Classification Criteria Version 2. Collection method: clinical testing. Allele origin: germline. Affected: yes. Observed: 1 variant allele.

Genomics England Pilot Project, Genomics England
Classification: Pathogenic for Leber congenital amaurosis 9. Review status: no assertion criteria provided. Criteria: ACGS Guidelines, 2016. Collection method: clinical testing. Allele origin: germline. Affected: yes. Not counted in ClinVar's aggregate classification.

Laboratory of Genetics in Ophthalmology, Institut Imagine
Classification: Pathogenic for Leber congenital amaurosis 9. Review status: no assertion criteria provided. Collection method: research. Allele origin: inherited. Affected: yes. Observed: 2 variant alleles. Not counted in ClinVar's aggregate classification.

Literature cited by the submitters: PubMed 22842229 (cited by Labcorp Genetics (formerly Invitae), Labcorp and Laboratory of Genetics in Ophthalmology, Institut Imagine); PubMed 29178642 (cited by Labcorp Genetics (formerly Invitae), Labcorp).